The following is an entry in ClinVar:

NM_004667.6(HERC2):c.3071T>C (p.Val1024Ala)

Gene: HERC2 (HECT and RLD domain containing E3 ubiquitin protein ligase 2; minus strand). Cytogenetic location: 15q13.1.
Variant type: single nucleotide variant.
Coding change: c.3071T>C on transcript NM_004667.6 (MANE Select); coding-DNA position 3071, T replaced by C.
Protein change: p.Val1024Ala; replaces valine 1024 with alanine.
Molecular consequence: missense variant.
Genome position (GRCh38, 1-based): chr15:28,248,716, A>G on the plus strand (T>C on the coding strand, the complement: HERC2 is on the minus strand). VCF-style: chr15-28248716-A-G. GRCh37 (hg19) VCF-style: chr15-28493862-A-G.
Other names: c.3071T>C (NM_004667.4); short protein forms V1024A.
Identifiers: ClinVar variation 1031460 (VCV001031460.4), dbSNP rs777481301, ClinGen allele CA7442995.

ClinVar aggregate classification (germline): Uncertain significance. Review status: criteria provided, multiple submitters, no conflicts (2 of 4 stars). 2 submissions from 2 submitters: Uncertain significance (2). Last evaluated 2022-01-31.

Conditions:
Inborn genetic diseases. Identifiers: MedGen C0950123, MeSH D030342.
Developmental delay with autism spectrum disorder and gait instability (MRT38). Also called: Intellectual developmental disorder, autosomal recessive 38. Identifiers: Orphanet 329195, MedGen C3809753, MONDO:0014224, OMIM 615516.

Allele frequency attached by ClinVar (database versions not stated): gnomAD exomes below 0.00001 and 0.00001; gnomAD 0.00001; ExAC 0.00002.
gnomAD v4.1: 3 of 1,613,762 alleles (0.00019%); highest among the groups gnomAD compares: Admixed American, 0.0033%; no homozygotes.

Submissions (2):

Ambry Genetics
Classification: Uncertain significance for Inborn genetic diseases. Last evaluated: 2022-01-31. Review status: criteria provided, single submitter. Criteria: Ambry Variant Classification Scheme 2023. Collection method: clinical testing. Allele origin: germline.

Baylor Genetics
Classification: Uncertain significance for Developmental delay with autism spectrum disorder and gait instability. Last evaluated: 2018-02-05. Review status: criteria provided, single submitter. Criteria: ACMG Guidelines, 2015. Collection method: clinical testing. Allele origin: paternal. Affected: yes.
Comment: This variant was determined to be of uncertain significance according to ACMG Guidelines, 2015 [PMID:25741868].